The following is an entry in ClinVar:

ClinVar aggregate classification (germline): Uncertain significance (1 of 4 stars; one submission).

Conditions:
Emery-Dreifuss muscular dystrophy 5, autosomal dominant (EDMD5). Also called: EMERY-DREIFUSS MUSCULAR DYSTROPHY 5. Identifiers: Orphanet 261, MedGen C2751805, MONDO:0013072, OMIM 612999.

Submission:

Labcorp Genetics (formerly Invitae), Labcorp
Classification: Uncertain significance for Emery-Dreifuss muscular dystrophy 5, autosomal dominant. Last evaluated: 2021-06-16. Review status: criteria provided, single submitter. Criteria: Invitae Variant Classification Sherloc (09022015). Collection method: clinical testing. Allele origin: germline.
Comment: In summary, the available evidence is currently insufficient to determine the role of this variant in disease. Therefore, it has been classified as a Variant of Uncertain Significance. Algorithms developed to predict the effect of missense changes on protein structure and function output the following: SIFT: "Tolerated"; PolyPhen-2: "Benign"; Align-GVGD: "Class C0". The cysteine amino acid residue is found in multiple mammalian species, suggesting that this missense change does not adversely affect protein function. These predictions have not been confirmed by published functional studies and their clinical significance is uncertain. This variant has not been reported in the literature in individuals with SYNE2-related conditions. This variant is not present in population databases (ExAC no frequency). This sequence change replaces serine with cysteine at codon 3224 of the SYNE2 protein (p.Ser3224Cys). The serine residue is weakly conserved and there is a moderate physicochemical difference between serine and cysteine.

NM_182914.3(SYNE2):c.9670A>T (p.Ser3224Cys)

Gene: SYNE2 (spectrin repeat containing nuclear envelope protein 2; plus strand). Cytogenetic location: 14q23.2.
Variant type: single nucleotide variant.
Coding change: c.9670A>T on transcript NM_182914.3 (MANE Select); coding-DNA position 9670, A replaced by T.
Protein change: p.Ser3224Cys; replaces serine 3224 with cysteine.
Molecular consequence: missense variant.
Genome position (GRCh38, 1-based): chr14:64,053,583, A>T. VCF-style: chr14-64053583-A-T. GRCh37 (hg19) VCF-style: chr14-64520301-A-T.
Other names: c.9670A>T, p.Ser3224Cys (NM_015180.6); short protein forms S3224C.
Identifiers: ClinVar variation 1467111 (VCV001467111.8), dbSNP rs545062561, ClinGen allele CA389982235.